The following is an entry in ClinVar:

ClinVar aggregate classification (germline): Uncertain significance (1 of 4 stars; one submission).

Allele frequency attached by ClinVar (database versions not stated): gnomAD 0.00001; TOPMed 0.00001.
gnomAD v4.1: 3 of 1,594,290 alleles (0.00019%); highest among the groups gnomAD compares: African/African-American, 0.0013%; no homozygotes.

Submission:

Labcorp Genetics (formerly Invitae), Labcorp
Classification: Uncertain significance. Last evaluated: 2022-06-15. Review status: criteria provided, single submitter. Criteria: Invitae Variant Classification Sherloc (09022015). Collection method: clinical testing. Allele origin: germline.
Comment: In summary, the available evidence is currently insufficient to determine the role of this variant in disease. Therefore, it has been classified as a Variant of Uncertain Significance. Algorithms developed to predict the effect of missense changes on protein structure and function output the following: SIFT: "Tolerated"; PolyPhen-2: "Benign"; Align-GVGD: "Class C0". The aspartic acid amino acid residue is found in multiple mammalian species, which suggests that this missense change does not adversely affect protein function. This variant has not been reported in the literature in individuals affected with PLEKHM2-related conditions. This variant is present in population databases (no rsID available, gnomAD 0.01%). This sequence change replaces glutamic acid, which is acidic and polar, with aspartic acid, which is acidic and polar, at codon 541 of the PLEKHM2 protein (p.Glu541Asp).

NM_015164.4(PLEKHM2):c.1623G>T (p.Glu541Asp)

Gene: PLEKHM2 (pleckstrin homology and RUN domain containing M2; plus strand). Cytogenetic location: 1p36.21.
Variant type: single nucleotide variant.
Coding change: c.1623G>T on transcript NM_015164.4 (MANE Select); coding-DNA position 1623, G replaced by T.
Protein change: p.Glu541Asp; replaces glutamic acid 541 with aspartic acid.
Molecular consequence: missense variant.
Genome position (GRCh38, 1-based): chr1:15,727,695, G>T. VCF-style: chr1-15727695-G-T. GRCh37 (hg19) VCF-style: chr1-16054190-G-T.
Other names: c.1563G>T, p.Glu521Asp (NM_001410755.1); short protein forms E541D, E521D.
Identifiers: ClinVar variation 2037525 (VCV002037525.4), dbSNP rs938591915, ClinGen allele CA18300220.
Genomic context (GRCh38, chr1:15,727,695, plus strand): 5'-GAGGGAGGCTCAGGAGCTGGAGGCCCAGCTGTCCCTGGTCAGGGAGGGGCCTGTGTCTGA[G>T]CCAGAGCCTGGGACCCAGGAGGTTCTCTGCCAGCTCAAGCGAGACCAGCCCAGCCCGTGT-3'
Protein context (NP_055979.2, residues 531-551): LSLVREGPVS[Glu541Asp]PEPGTQEVLC